The following is an entry in ClinVar:

NM_199420.4(POLQ):c.7456G>C (p.Val2486Leu)

Gene: POLQ (DNA polymerase theta; minus strand). Cytogenetic location: 3q13.33.
Variant type: single nucleotide variant.
Coding change: c.7456G>C on transcript NM_199420.4 (MANE Select); coding-DNA position 7456, G replaced by C.
Protein change: p.Val2486Leu; replaces valine 2486 with leucine.
Molecular consequence: missense variant.
Genome position (GRCh38, 1-based): chr3:121,436,209, C>G on the plus strand (G>C on the coding strand, the complement: POLQ is on the minus strand). VCF-style: chr3-121436209-C-G. GRCh37 (hg19) VCF-style: chr3-121155056-C-G.
Other names: short protein forms V2486L.
Identifiers: ClinVar variation 1758992 (VCV001758992.2), dbSNP rs2546747287, ClinGen allele CA354095977.

ClinVar aggregate classification (germline): Uncertain significance (1 of 4 stars; one submission).

Submission:

Ambry Genetics
Classification: Uncertain significance. Last evaluated: 2021-12-18. Review status: criteria provided, single submitter. Criteria: Ambry Variant Classification Scheme 2023. Collection method: clinical testing. Allele origin: germline.
Comment: The p.V2486L variant (also known as c.7456G>C), located in coding exon 28 of the POLQ gene, results from a G to C substitution at nucleotide position 7456. The valine at codon 2486 is replaced by leucine, an amino acid with highly similar properties. This amino acid position is conserved. In addition, the in silico prediction for this alteration is inconclusive. Since supporting evidence is limited at this time, the clinical significance of this alteration remains unclear.